The following is an entry in ClinVar:

NM_001001548.3(CD36):c.287G>C (p.Arg96Pro)

Gene: CD36 (CD36 molecule (CD36 blood group); plus strand). Cytogenetic location: 7q21.11.
Variant type: single nucleotide variant.
Coding change: c.287G>C on transcript NM_001001548.3 (MANE Select); coding-DNA position 287, G replaced by C.
Protein change: p.Arg96Pro; replaces arginine 96 with proline.
Molecular consequence: missense variant. On other transcripts: 5 prime UTR variant (2), non-coding transcript variant (1).
Genome position (GRCh38, 1-based): chr7:80,661,068, G>C. VCF-style: chr7-80661068-G-C. GRCh37 (hg19) VCF-style: chr7-80290384-G-C.
Other names: c.287G>C, p.Arg96Pro (NM_000072.3, NM_001001547.3, NM_001127443.2 and 7 more transcripts); c.59G>C, p.Arg20Pro (NM_001289911.2); c.185G>C, p.Arg62Pro (NM_001371079.1); c.-179G>C (NM_001371080.1); c.-196G>C (NM_001371081.1); short protein forms R20P, R62P, R96P.
Identifiers: ClinVar variation 3251700 (VCV003251700.1), dbSNP rs70961715.

ClinVar aggregate classification (germline): Uncertain significance (1 of 4 stars; one submission).

Allele frequency attached by ClinVar (database versions not stated): 1000 Genomes Project 30x 0.00109; 1000 Genomes Project 0.00120.
gnomAD v4.1: 66 of 1,612,994 alleles (0.0041%); highest among the groups gnomAD compares: East Asian, 0.12%; no homozygotes.

Submission:

Women's Health and Genetics/Laboratory Corporation of America, LabCorp
Classification: Uncertain significance. Last evaluated: 2024-04-25. Review status: criteria provided, single submitter. Criteria: LabCorp Variant Classification Summary - May 2015. Collection method: clinical testing. Allele origin: germline.
Comment: Variant summary: CD36 c.287G>C (p.Arg96Pro) results in a non-conservative amino acid change in the encoded protein sequence. Five of five in-silico tools predict a damaging effect of the variant on protein function. The variant allele was found at a frequency of 0.00016 in 250854 control chromosomes (gnomAD). To our knowledge, no occurrence of c.287G>C in individuals affected with CD36-Related Disorders and no experimental evidence demonstrating its impact on protein function have been reported. No submitters have cited clinical-significance assessments for this variant to ClinVar. Based on the evidence outlined above, the variant was classified as uncertain significance.